The following is an entry in ClinVar:

ClinVar aggregate classification (germline): Pathogenic/Likely pathogenic. Review status: criteria provided, multiple submitters, no conflicts (2 of 4 stars). 7 submissions from 7 submitters: Pathogenic (5); Likely pathogenic (1). 1 of the submissions does not count toward it. Last evaluated 2025-03-17.

Conditions:
Fanconi anemia (FA). Also called: Fanconi's anemia. Identifiers: Orphanet 84, MedGen C0015625, MeSH D005199, MONDO:0019391.
FANCA-related disorders.
Fanconi anemia complementation group A (FANCA). Also called: FANCA-Related Fanconi Anemia; Fanconi anemia, group A. Identifiers: Orphanet 84, MedGen C3469521, MONDO:0009215, OMIM 227650.

Submissions (7):

Natera, Inc.
Classification: Pathogenic for Fanconi anemia. Last evaluated: 2025-03-17. Review status: criteria provided, single submitter. Criteria: Natera Variant Classification Schema (03/2026). Collection method: clinical testing. Allele origin: germline.
Comment: The c.3918dupT variant in FANCA is a frameshift variant predicted to shift the reading frame beginning at codon 1307 and leads to a stop codon 6 codons downstream. This variant is expected to result in nonsense mediated decay, truncation, or a dysfunctional protein product. This variant is rare in the general population with a frequency below the threshold expected for the associated phenotype(s). This variant has been observed in one or more individuals affected with the associated recessive disease, as either homozygous or compound heterozygous with a second variant (PMID: 15523645, 32487094). Given the available evidence, this variant is classified as Pathogenic.

Labcorp Genetics (formerly Invitae), Labcorp
Classification: Pathogenic for Fanconi anemia. Last evaluated: 2025-01-23. Review status: criteria provided, single submitter. Criteria: Invitae Variant Classification Sherloc (09022015). Collection method: clinical testing. Allele origin: germline.
Comment: This sequence change creates a premature translational stop signal (p.Gln1307Serfs*6) in the FANCA gene. It is expected to result in an absent or disrupted protein product. Loss-of-function variants in FANCA are known to be pathogenic (PMID: 19367192). This variant is present in population databases (no rsID available, gnomAD 0.01%). This premature translational stop signal has been observed in individual(s) with Fanconi anemia (PMID: 15523645). ClinVar contains an entry for this variant (Variation ID: 858596). For these reasons, this variant has been classified as Pathogenic.

Baylor Genetics
Classification: Pathogenic for Fanconi anemia complementation group A. Last evaluated: 2023-04-24. Review status: criteria provided, single submitter. Criteria: ACMG Guidelines, 2015. Collection method: clinical testing. Allele origin: unknown.

Fulgent Genetics
Classification: Pathogenic for Fanconi anemia complementation group A. Last evaluated: 2021-11-03. Review status: criteria provided, single submitter. Criteria: ACMG Guidelines, 2015. Collection method: clinical testing. Allele origin: unknown.

Blueprint Genetics
Classification: Likely pathogenic for FANCA-related disorders. Last evaluated: 2020-02-06. Review status: criteria provided, single submitter. Criteria: ACMG Guidelines, 2015. Collection method: clinical testing. Allele origin: germline. Affected: yes. Observed: 1 variant allele.

Juno Genomics, Hangzhou Juno Genomics, Inc
Classification: Pathogenic for Fanconi anemia complementation group A. Review status: criteria provided, single submitter. Criteria: ACMG Guidelines, 2015. Collection method: clinical testing. Allele origin: germline.
Comment: Absent from controls (or at extremely low frequency if recessive) in Genome Aggregation Database.;Null variant in a gene where loss of function (LOF) is a known mechanism of disease.;For recessive disorders, detected in trans with a pathogenic variant.

Leiden Open Variation Database
Classification: Pathogenic for Fanconi anemia complementation group A. Last evaluated: 2020-02-28. Review status: no assertion criteria provided. Collection method: curation. Allele origin: germline. Affected: yes. Not counted in ClinVar's aggregate classification.
Comment: Curator: Arleen D. Auerbach. Submitter to LOVD: Arleen D. Auerbach.

Literature cited by the submitters: PubMed 15523645 (cited by 3 submitters); PubMed 32487094 (cited by Natera, Inc.); PubMed 19367192 (cited by Labcorp Genetics (formerly Invitae), Labcorp).

NM_000135.4(FANCA):c.3918dup (p.Gln1307fs)

Genes: FANCA (FA complementation group A; minus strand), ZNF276 (zinc finger protein 276; plus strand). Cytogenetic location: 16q24.3.
Variant type: Duplication.
Coding change: c.3918dup on transcript NM_000135.4 (MANE Select); coding-DNA position 3918, one base duplicated (T; older notation c.3918dupT).
Protein change: p.Gln1307fs; shifts the reading frame from glutamine 1307.
Molecular consequence: frameshift variant. On other transcripts: 3 prime UTR variant (2), non-coding transcript variant (4).
Genome position (GRCh38, 1-based): chr16:89,740,010, A duplicated on the plus strand (T on the coding strand, the reverse complement: FANCA is on the minus strand); the first of 3 consecutive A bases (chr16:89,740,010-89,740,012); duplicating any one gives the same sequence. VCF-style (leftmost placement, unchanged base first): chr16-89740009-G-GA. GRCh37 (hg19) VCF-style: chr16-89806417-G-GA.
Other names: c.3918dupT (NM_000135.3, NM_000135.4); c.3918dup (NM_000135.2); c.3918dup, p.Gln1307fs (NM_001286167.3); c.*1766dup (NM_001113525.2, NM_152287.4); short protein forms Q1307fs.
Identifiers: ClinVar variation 858596 (VCV000858596.17), dbSNP rs1281446470, ClinGen allele CA624278912.